The following is an entry in ClinVar:

ClinVar aggregate classification (germline): other (0 of 4 stars; one submission).

Conditions:
Familial colorectal cancer. Identifiers: MedGen CN280943, MONDO:0023113. Disease mechanism: loss of function.

Submission:

Systems Biology Platform Zhejiang California International NanoSystems Institute
Classification: other for Familial colorectal cancer. Review status: no assertion criteria provided. Collection method: not provided. Allele origin: unknown.
ClinVar note: Converted during submission from cancer to other.

NM_000038.6(APC):c.135+3580T>G

Gene: APC (APC regulator of WNT signaling pathway; plus strand). Cytogenetic location: 5q22.2.
Variant type: single nucleotide variant.
Coding change: c.135+3580T>G on transcript NM_000038.6 (MANE Select); 3580 bases into the intron after coding-DNA position 135, T replaced by G.
Molecular consequence: intron variant.
Genome position (GRCh38, 1-based): chr5:112,758,605, T>G. VCF-style: chr5-112758605-T-G. GRCh37 (hg19) VCF-style: chr5-112094302-T-G.
Other names: c.135+3580T>G (NM_001354895.2, NM_001127510.3, NM_001354896.2 and 2 more transcripts); c.166-7721T>G (NM_001354897.2, NM_001354902.2, NM_001127511.3); c.61-7721T>G (NM_001354898.2, NM_001354904.2); c.-901+3580T>G (NM_001354906.2); c.-42-7721T>G (NM_001354900.2, NM_001354901.2, NM_001354905.2).
Identifiers: ClinVar variation 82827 (VCV000082827.2), dbSNP rs74394833, ClinGen allele CA004304.